The following is an entry in ClinVar:

NM_000458.4(HNF1B):c.345-228C>G

Gene: HNF1B (HNF1 homeobox B; minus strand). Cytogenetic location: 17q12.
Variant type: single nucleotide variant.
Coding change: c.345-228C>G on transcript NM_000458.4 (MANE Select); 228 bases into the intron before coding-DNA position 345, C replaced by G.
Molecular consequence: intron variant.
Genome position (GRCh38, 1-based): chr17:37,739,867, G>C on the plus strand (C>G on the coding strand, the complement: HNF1B is on the minus strand). VCF-style: chr17-37739867-G-C. GRCh37 (hg19) VCF-style: chr17-36099858-G-C.
Other names: c.345-228C>G (NM_001304286.2, NM_001165923.4).
Identifiers: ClinVar variation 676933 (VCV000676933.2), dbSNP rs75979306, ClinGen allele CA14434473.

ClinVar aggregate classification (germline): Benign. Review status: criteria provided, multiple submitters, no conflicts (2 of 4 stars). 2 submissions from 2 submitters: Benign (2). Last evaluated 2018-06-16.

Conditions:
Maturity-onset diabetes of the young (MODY). Also called: Maturity onset diabetes mellitus in young. Identifiers: Orphanet 552, MedGen C0342276, MONDO:0018911, HP:0004904.

Allele frequency attached by ClinVar (database versions not stated): gnomAD 0.06037 and 0.05872; TOPMed 0.06127; 1000 Genomes Project 0.03395; 1000 Genomes Project 30x 0.03560.
gnomAD v4.1: 9,112 of 152,190 alleles (6%); highest among the groups gnomAD compares: Middle Eastern, 21%; 409 homozygotes.

Submissions (2):

GeneDx
Classification: Benign. Last evaluated: 2018-06-16. Review status: criteria provided, single submitter. Criteria: GeneDx Variant Classification (06012015). Collection method: clinical testing. Allele origin: germline. Affected: yes.
Comment: This variant is considered likely benign or benign based on one or more of the following criteria: it is a conservative change, it occurs at a poorly conserved position in the protein, it is predicted to be benign by multiple in silico algorithms, and/or has population frequency not consistent with disease.

Clinical Genomics, Uppaluri K&H Personalized Medicine Clinic
Classification: Benign for Maturity-onset diabetes of the young. Review status: criteria provided, single submitter. Criteria: K & H Uppaluri Personalized Medicine Clinic Variant Classification & Assertion Criteria_Updated V.1. Collection method: research. Allele origin: unknown. Inheritance: Autosomal dominant inheritance.
Comment: HNF1B gene mutations are associated with early onset diabetes and pancreatic atrophy. It is also associated with multiple renal manifestations including renal cysts, Tubulointerstitial disease, glomerulocystic disease, renal hypoplasia, hypomagnesemia. However no sufficient evidence is found to ascertain the role of this particular variant rs75979306, yet.

Literature cited by the submitters: PubMed 24897035 (cited by Clinical Genomics, Uppaluri K&H Personalized Medicine Clinic); PubMed 25536396 (cited by Clinical Genomics, Uppaluri K&H Personalized Medicine Clinic); PubMed 27615128 (cited by Clinical Genomics, Uppaluri K&H Personalized Medicine Clinic); PubMed 28215227 (cited by Clinical Genomics, Uppaluri K&H Personalized Medicine Clinic); PubMed 33434175 (cited by Clinical Genomics, Uppaluri K&H Personalized Medicine Clinic); PubMed 25741167 (cited by Clinical Genomics, Uppaluri K&H Personalized Medicine Clinic); PubMed 26340261 (cited by Clinical Genomics, Uppaluri K&H Personalized Medicine Clinic); PubMed 19639018 (cited by Clinical Genomics, Uppaluri K&H Personalized Medicine Clinic).